The following is an entry in ClinVar:

ClinVar aggregate classification (germline): Likely benign. Review status: criteria provided, multiple submitters, no conflicts (2 of 4 stars). 2 submissions from 2 submitters: Likely benign (2). Last evaluated 2025-01-30.

Conditions:
Benign neonatal seizures. Also called: Benign familial neonatal seizures; Benign neonatal familial convulsions; Benign familial neonatal epilepsy; Convulsions benign familial neonatal dominant form; Autosomal dominant form of benign neonatal seizures. Identifiers: Orphanet 1949, MedGen C0220669, MONDO:0016027.
Seizures, benign familial neonatal, 2. Also called: CONVULSIONS, BENIGN FAMILIAL NEONATAL, 2; KCNQ3-Related Self-Limited Familial Neonatal Epilepsy (SLFNE); Benign Neonatal Epilepsy 2; KCNQ3-Related Benign Familial Neonatal Epilepsy; Seizures, benign neonatal, 2. Identifiers: Orphanet 1949, MedGen C1852581, MONDO:0007366, OMIM 121201.

Allele frequency attached by ClinVar (database versions not stated): gnomAD 0.00002; ExAC 0.00003; 1000 Genomes Project 30x 0.00016; 1000 Genomes Project 0.00020; TOPMed 0.00003; gnomAD exomes 0.00002.
gnomAD v4.1: 77 of 1,613,760 alleles (0.0048%); highest among the groups gnomAD compares: Non-Finnish European, 0.0056%; no homozygotes.

Submissions (2):

Labcorp Genetics (formerly Invitae), Labcorp
Classification: Likely benign for Benign neonatal seizures. Last evaluated: 2025-01-30. Review status: criteria provided, single submitter. Criteria: Invitae Variant Classification Sherloc (09022015). Collection method: clinical testing. Allele origin: germline.

Illumina Laboratory Services, Illumina
Classification: Likely benign for Seizures, benign familial neonatal, 2. Last evaluated: 2017-04-27. Review status: criteria provided, single submitter. Criteria: ICSL Variant Classification Criteria 13 December 2019. Collection method: clinical testing. Allele origin: germline.
Comment: This variant was observed as part of a predisposition screen in an ostensibly healthy population. A literature search was performed for the gene, cDNA change, and amino acid change (where applicable). No publications were found based on this search. Allele frequency data from public databases allowed determination this variant is unlikely to cause disease. Therefore, this variant is classified as likely benign.

NM_004519.4(KCNQ3):c.1737G>A (p.Thr579=)

Gene: KCNQ3 (potassium voltage-gated channel subfamily Q member 3; minus strand). Cytogenetic location: 8q24.22.
Variant type: single nucleotide variant.
Coding change: c.1737G>A on transcript NM_004519.4 (MANE Select); coding-DNA position 1737, G replaced by A.
Protein change: p.Thr579=; no amino-acid change (threonine 579 retained).
Molecular consequence: synonymous variant.
Genome position (GRCh38, 1-based): chr8:132,134,352, C>T on the plus strand (G>A on the coding strand, the complement: KCNQ3 is on the minus strand). VCF-style: chr8-132134352-C-T. GRCh37 (hg19) VCF-style: chr8-133146599-C-T.
Other names: c.1377G>A, p.Thr459= (NM_001204824.2).
Identifiers: ClinVar variation 361878 (VCV000361878.14), dbSNP rs574981327, ClinGen allele CA4880602.
Genomic context (GRCh38, chr8:132,134,352, plus strand): 5'-GGGAGATTGCTGGGATGGGAAGGTGAATGCTGACCCTTTCTGAGACTTCTTGTGTTTTGG[C>T]GTGGAGGGAGGTCCAGGGGTGAAAATCATATCTATTCTGAAAGAAACAAACAGAGCAGGG-3'
Protein context (NP_004510.1, residues 569-589): DMIFTPGPPS[Thr579=]PKHKKSQKGS